The following is an entry in ClinVar:

ClinVar aggregate classification (germline): Uncertain significance (1 of 4 stars; one submission).

Conditions:
Catecholaminergic polymorphic ventricular tachycardia 1. Also called: VENTRICULAR TACHYCARDIA, STRESS-INDUCED POLYMORPHIC 1; RYR2-Related Catecholaminergic Polymorphic Ventricular Tachycardia; VENTRICULAR TACHYCARDIA, CATECHOLAMINERGIC POLYMORPHIC, 1, WITH OR WITHOUT ATRIAL DYSFUNCTION AND/OR DILATED CARDIOMYOPATHY. Identifiers: Orphanet 3286, MedGen C1631597, MONDO:0011484, OMIM 604772.

Submission:

Labcorp Genetics (formerly Invitae), Labcorp
Classification: Uncertain significance for Catecholaminergic polymorphic ventricular tachycardia 1. Last evaluated: 2025-08-13. Review status: criteria provided, single submitter. Criteria: Invitae Variant Classification Sherloc (09022015). Collection method: clinical testing. Allele origin: germline.
Comment: This sequence change replaces glutamine, which is neutral and polar, with histidine, which is basic and polar, at codon 1014 of the RYR2 protein (p.Gln1014His). This variant is not present in population databases (gnomAD no frequency). This variant has not been reported in the literature in individuals affected with RYR2-related conditions. Invitae Evidence Modeling of protein sequence and biophysical properties (such as structural, functional, and spatial information, amino acid conservation, physicochemical variation, residue mobility, and thermodynamic stability) has been performed for this missense variant. However, the output from this modeling did not meet the statistical confidence thresholds required to predict the impact of this variant on RYR2 protein function. In summary, the available evidence is currently insufficient to determine the role of this variant in disease. Therefore, it has been classified as a Variant of Uncertain Significance.

NM_001035.3(RYR2):c.3042G>C (p.Gln1014His)

Gene: RYR2 (ryanodine receptor 2; plus strand). Cytogenetic location: 1q43.
Variant type: single nucleotide variant.
Coding change: c.3042G>C on transcript NM_001035.3 (MANE Select); coding-DNA position 3042, G replaced by C.
Protein change: p.Gln1014His; replaces glutamine 1014 with histidine.
Molecular consequence: missense variant.
Genome position (GRCh38, 1-based): chr1:237,548,566, G>C. VCF-style: chr1-237548566-G-C. GRCh37 (hg19) VCF-style: chr1-237711866-G-C.
Other names: short protein forms Q1014H.
Identifiers: ClinVar variation 4800065 (VCV004800065.1).